The following is an entry in ClinVar:

ClinVar aggregate classification (germline): Uncertain significance (1 of 4 stars; one submission).

Submission:

Ambry Genetics
Classification: Uncertain significance. Last evaluated: 2022-08-29. Review status: criteria provided, single submitter. Criteria: Ambry Variant Classification Scheme 2023. Collection method: clinical testing. Allele origin: germline.
Comment: The p.S1309Y variant (also known as c.3926C>A), located in coding exon 16 of the POLQ gene, results from a C to A substitution at nucleotide position 3926. The serine at codon 1309 is replaced by tyrosine, an amino acid with dissimilar properties. This amino acid position is conserved. In addition, this alteration is predicted to be tolerated by in silico analysis. Since supporting evidence is limited at this time, the clinical significance of this alteration remains unclear.

NM_199420.4(POLQ):c.3926C>A (p.Ser1309Tyr)

Gene: POLQ (DNA polymerase theta; minus strand). Cytogenetic location: 3q13.33.
Variant type: single nucleotide variant.
Coding change: c.3926C>A on transcript NM_199420.4 (MANE Select); coding-DNA position 3926, C replaced by A.
Protein change: p.Ser1309Tyr; replaces serine 1309 with tyrosine.
Molecular consequence: missense variant.
Genome position (GRCh38, 1-based): chr3:121,489,005, G>T on the plus strand (C>A on the coding strand, the complement: POLQ is on the minus strand). VCF-style: chr3-121489005-G-T. GRCh37 (hg19) VCF-style: chr3-121207852-G-T.
Other names: short protein forms S1309Y.
Identifiers: ClinVar variation 1736230 (VCV001736230.2), dbSNP rs2546786674, ClinGen allele CA354096626.
Genomic context (GRCh38, chr3:121,489,005, plus strand): 5'-TCTGACTGAGTATCCAGATAGAAACTATCTTCAAAATCACAGAGGACTAAACCTAAGTCA[G>T]AAACATGATTATTTTTAGTTTTGTTTGTTGTATAAGTACCTGTTTTTTCTTGTAGTCTAG-3'
Protein context (NP_955452.3, residues 1299-1319): TTNKTKNNHV[Ser1309Tyr]DLGLVLCDFE